The following is an entry in ClinVar:

NM_003783.3(B3GALT2):c.367T>G (p.Tyr123Asp)

Genes: CDC73 (cell division cycle 73; plus strand), B3GALT2 (beta-1,3-galactosyltransferase 2; minus strand). Cytogenetic location: 1q31.2.
Variant type: single nucleotide variant.
Coding change: c.367T>G on transcript NM_003783.3 (MANE Select); coding-DNA position 367, T replaced by G.
Protein change: p.Tyr123Asp; replaces tyrosine 123 with aspartic acid.
Molecular consequence: missense variant. On other transcripts: intron variant (1).
Genome position (GRCh38, 1-based): chr1:193,181,196, A>C on the plus strand (T>G on the coding strand, the complement: B3GALT2 is on the minus strand). VCF-style: chr1-193181196-A-C. GRCh37 (hg19) VCF-style: chr1-193150326-A-C.
Other names: c.973-22599A>C (NM_024529.5); short protein forms Y123D.
Identifiers: ClinVar variation 226036 (VCV000226036.3), dbSNP rs41265203, ClinGen allele CA1303641.
Genomic context (GRCh38, chr1:193,181,196, plus strand): 5'-GCTCATTAATAATATATTTGAAATGGTAAGAATTTGGATGTCCAGTACCTTTTTCATTGT[A>C]AATACTTCCATTGGCACTAAGTGTATTCTCCAGGCCTGTAACTCCTTGTGGTGACAGGTC-3'
Protein context (NP_003774.1, residues 113-133): ENTLSANGSI[Tyr123Asp]NEKGTGHPNS

ClinVar aggregate classification (germline): Likely benign. Review status: criteria provided, multiple submitters, no conflicts (2 of 4 stars). 2 submissions from 2 submitters: Likely benign (2). Last evaluated 2026-07-01.

Conditions:
Hyperparathyroidism 2 with jaw tumors. Also called: Hyperparathyroidism-Jaw Tumor Syndrome; Hyperparathyroidism 2; HYPERPARATHYROIDISM, FAMILIAL PRIMARY, WITH MULTIPLE OSSIFYING JAW FIBROMAS; HYPERPARATHYROIDISM-JAW TUMOR SYNDROME, HEREDITARY. Identifiers: Orphanet 99880, MedGen C1704981, MONDO:0007768, OMIM 145001.

Allele frequency attached by ClinVar (database versions not stated): 1000 Genomes Project 0.00060; 1000 Genomes Project 30x 0.00062; gnomAD 0.00184 and 0.00192; TOPMed 0.00198; ESP Exome Variant Server 0.00231.
gnomAD v4.1: 3,843 of 1,613,784 alleles (0.24%); highest among the groups gnomAD compares: Non-Finnish European, 0.3%; 6 homozygotes.

Submissions (2):

CeGaT Center for Human Genetics Tuebingen
Classification: Likely benign. Last evaluated: 2026-07-01. Review status: criteria provided, single submitter. Criteria: CeGaT Center For Human Genetics Tuebingen Variant Classification Criteria Version 2. Collection method: clinical testing. Allele origin: germline. Affected: yes. Observed: 1 variant allele.
Comment: B3GALT2: BP4

CSER _CC_NCGL, University of Washington
Classification: Likely benign for Hyperparathyroidism-jaw tumor syndrome. Last evaluated: 2015-03-11. Review status: criteria provided, single submitter. Criteria: Amendola et al. (Genome Res. 2015). Collection method: research. Allele origin: germline. Inheritance: Autosomal dominant inheritance. Study: CSER - NEXT Medicine variant annotation.